The following is an entry in ClinVar:

NM_000257.4(MYH7):c.5296G>T (p.Ala1766Ser)

Genes: MYH7 (myosin heavy chain 7; minus strand), LOC126861897 (BRD4-independent group 4 enhancer GRCh37_chr14:23884455-23885654; plus strand). Cytogenetic location: 14q11.2.
Variant type: single nucleotide variant.
Coding change: c.5296G>T on transcript NM_000257.4 (MANE Select); coding-DNA position 5296, G replaced by T.
Protein change: p.Ala1766Ser; replaces alanine 1766 with serine.
Molecular consequence: missense variant.
Genome position (GRCh38, 1-based): chr14:23,415,258, C>A on the plus strand (G>T on the coding strand, the complement: MYH7 is on the minus strand). VCF-style: chr14-23415258-C-A. GRCh37 (hg19) VCF-style: chr14-23884467-C-A.
Other names: c.5296G>T, p.Ala1766Ser (NM_001407004.1); short protein forms A1766S.
Identifiers: ClinVar variation 3895572 (VCV003895572.1).

ClinVar aggregate classification (germline): Uncertain significance (1 of 4 stars; one submission).

Submission:

Women's Health and Genetics/Laboratory Corporation of America, LabCorp
Classification: Uncertain significance. Last evaluated: 2025-03-31. Review status: criteria provided, single submitter. Criteria: LabCorp Variant Classification Summary - May 2015. Collection method: clinical testing. Allele origin: germline.
Comment: Variant summary: MYH7 c.5296G>T (p.Ala1766Ser) results in a conservative amino acid change in the encoded protein sequence. Three of five in-silico tools predict a damaging effect of the variant on protein function. The variant allele was found at a frequency of 4e-06 in 251486 control chromosomes. The available data on variant occurrences in the general population are insufficient to allow any conclusion about variant significance. To our knowledge, no occurrence of c.5296G>T in individuals affected with Cardiomyopathy and no experimental evidence demonstrating its impact on protein function have been reported. No submitters have cited clinical-significance assessments for this variant to ClinVar. Based on the evidence outlined above, the variant was classified as uncertain significance.